The following is an entry in ClinVar:

ClinVar aggregate classification (germline): Likely pathogenic. Review status: criteria provided, single submitter (1 of 4 stars). 2 submissions from 2 submitters: Likely pathogenic (1). 1 of the submissions does not count toward it. Last evaluated 2026-02-02.

Conditions:
Neonatal intrahepatic cholestasis due to citrin deficiency (CDNI). Also called: Neonatal-onset citrullinemia type II; Neonatal-onset citrullinemia type 2; Neonatal Intrahepatic Cholestasis Caused by Citrin Deficiency (NICCD); CITRIN DEFICIENCY, NEONATAL OR INFANTILE ONSET. Identifiers: Orphanet 247598, MedGen C1853942, MONDO:0011601, OMIM 605814.
Citrin deficiency. Identifiers: Orphanet 247582, MedGen C1997910, MONDO:0016602.

Allele frequency attached by ClinVar (database versions not stated): ExAC 0.00001; gnomAD exomes 0.00001; gnomAD 0.00001.
gnomAD v4.1: 14 of 1,613,768 alleles (0.00087%); highest among the groups gnomAD compares: Middle Eastern, 0.033%; no homozygotes.

Submissions (2):

Labcorp Genetics (formerly Invitae), Labcorp
Classification: Likely pathogenic for Citrin deficiency. Last evaluated: 2026-02-02. Review status: criteria provided, single submitter. Criteria: Invitae Variant Classification Sherloc (09022015). Collection method: clinical testing. Allele origin: germline.
Comment: This sequence change replaces arginine, which is basic and polar, with tryptophan, which is neutral and slightly polar, at codon 492 of the SLC25A13 protein (p.Arg492Trp). This variant is present in population databases (rs763272772, gnomAD 0.0009%). This missense change has been observed in individual(s) with clinical features of citrin deficiency (PMID: 38323732; internal data). ClinVar contains an entry for this variant (Variation ID: 1706616). Invitae Evidence Modeling of protein sequence and biophysical properties (such as structural, functional, and spatial information, amino acid conservation, physicochemical variation, residue mobility, and thermodynamic stability) indicates that this missense variant is expected to disrupt SLC25A13 protein function with a positive predictive value of 95%. In summary, the currently available evidence indicates that the variant is pathogenic, but additional data are needed to prove that conclusively. Therefore, this variant has been classified as Likely Pathogenic.

Molecular Diagnostics Laboratory, Seoul National University Hospital
Classification: Pathogenic for Neonatal intrahepatic cholestasis due to citrin deficiency. Review status: no assertion criteria provided. Collection method: clinical testing. Allele origin: unknown. Affected: yes. Not counted in ClinVar's aggregate classification.

Literature cited by the submitters: PubMed 38323732 (cited by Labcorp Genetics (formerly Invitae), Labcorp).

NM_014251.3(SLC25A13):c.1474C>T (p.Arg492Trp)

Gene: SLC25A13 (solute carrier family 25 member 13; minus strand). Cytogenetic location: 7q21.3.
Variant type: single nucleotide variant.
Coding change: c.1474C>T on transcript NM_014251.3 (MANE Select); coding-DNA position 1474, C replaced by T.
Protein change: p.Arg492Trp; replaces arginine 492 with tryptophan.
Molecular consequence: missense variant. On other transcripts: non-coding transcript variant (1).
Genome position (GRCh38, 1-based): chr7:96,131,860, G>A on the plus strand (C>T on the coding strand, the complement: SLC25A13 is on the minus strand). VCF-style: chr7-96131860-G-A. GRCh37 (hg19) VCF-style: chr7-95761172-G-A.
Other names: c.1477C>T, p.Arg493Trp (NM_001160210.2); short protein forms R492W, R493W.
Identifiers: ClinVar variation 1706616 (VCV001706616.2), dbSNP rs763272772, ClinGen allele CA4352898.